The following is an entry in ClinVar:

ClinVar aggregate classification (germline): Likely pathogenic (1 of 4 stars; one submission).

Conditions:
Joubert syndrome 1 (JBTS1). Also called: CEREBELLOPARENCHYMAL DISORDER IV; Cerebellooculorenal syndrome 1. Identifiers: MedGen C4551568, MONDO:0008944, OMIM 213300.

Submission:

Advanced Center For Translational And Genetic Medicine, Ann & Robert H. Lurie Children's Hospital Of Chicago
Classification: Likely pathogenic for Joubert syndrome 1. Last evaluated: 2024-07-29. Review status: criteria provided, single submitter. Criteria: ACMG Guidelines, 2015. Collection method: research, in vitro. Allele origin: biparental, not applicable. Affected: yes. Observed: 1 homozygote. Functional consequence: loss_of_function_variant.
Comment: Well-established in vitro or in vivo functional studies supportive of a damaging effect on the gene or gene product (PS3), absent from gnomAD v4.1.0 (PM2), Multiple computational tools support deleterious effect, CADD=28.9 and Mutation Taster predicts Disease Causing (PP3)

NM_024899.4(CEP76):c.1703G>C (p.Arg568Pro)

Genes: CEP76 (centrosomal protein 76; minus strand), PSMG2 (proteasome assembly chaperone 2; plus strand). Cytogenetic location: 18p11.21.
Variant type: single nucleotide variant.
Coding change: c.1703G>C on transcript NM_024899.4 (MANE Select); coding-DNA position 1703, G replaced by C.
Protein change: p.Arg568Pro; replaces arginine 568 with proline.
Molecular consequence: missense variant. On other transcripts: non-coding transcript variant (1), intron variant (1).
Genome position (GRCh38, 1-based): chr18:12,674,674, C>G on the plus strand (G>C on the coding strand, the complement: CEP76 is on the minus strand). VCF-style: chr18-12674674-C-G. GRCh37 (hg19) VCF-style: chr18-12674673-C-G.
Other names: c.1478G>C, p.Arg493Pro (NM_001271989.2); c.-37+15901C>G (NM_147163.2); short protein forms R493P, R568P.
Identifiers: ClinVar variation 4075830 (VCV004075830.1).